The following is an entry in ClinVar:

ClinVar aggregate classification (germline): Likely benign (1 of 4 stars; one submission).

Conditions:
NCOA1-related disorder. Also called: NCOA1-related condition.

Submission:

PreventionGenetics, part of Exact Sciences
Classification: Likely benign for NCOA1-related condition. Last evaluated: 2026-06-02. Review status: criteria provided, single submitter. Criteria: ACMG Guidelines, 2015. Collection method: clinical testing. Allele origin: germline.
Comment: This variant is classified as likely benign based on ACMG/AMP sequence variant interpretation guidelines (Richards et al. 2015 PMID: 25741868, with internal and published modifications).

NM_003743.5(NCOA1):c.533-10del

Gene: NCOA1 (nuclear receptor coactivator 1; plus strand). Cytogenetic location: 2p23.3.
Variant type: Deletion.
Coding change: c.533-10del on transcript NM_003743.5 (MANE Select); 10 bases into the intron before coding-DNA position 533, one base deleted (T; older notation c.533-10delT).
Molecular consequence: intron variant.
Genome position (GRCh38, 1-based): chr2:24,691,471, T deleted; the last of 5 consecutive T bases (chr2:24,691,467-24,691,471); deleting any one gives the same sequence. VCF-style (leftmost placement, unchanged base first): chr2-24691466-AT-A. GRCh37 (hg19) VCF-style: chr2-24914335-AT-A.
Other names: c.533-10del (NM_001362950.1, NM_147223.3, NM_001362955.1 and 3 more transcripts).
Identifiers: ClinVar variation 4996344 (VCV004996344.1).
Genomic context (GRCh38, chr2:24,691,466, plus strand): 5'-GTACATCTTTTGTATCTTCAGAGTTTGTGCTTTTTCACCATATTCGCAAGCACATAATCA[AT>A]TTTTCTTCCTCAGTAAATGGAGTTCCTTGGCCTCAAGAGGCAACACGACGAAATAGCCAT-3'